The following is an entry in ClinVar:

ClinVar aggregate classification (germline): Likely benign (1 of 4 stars; one submission).

Submission:

CeGaT Center for Human Genetics Tuebingen
Classification: Likely benign. Last evaluated: 2023-10-01. Review status: criteria provided, single submitter. Criteria: CeGaT Center For Human Genetics Tuebingen Variant Classification Criteria Version 2. Collection method: clinical testing. Allele origin: germline. Affected: yes. Observed: 1 variant allele.
Comment: MYH6: PM2:Supporting, BP4, BP7

NM_002471.4(MYH6):c.5004C>T (p.Asp1668=)

Genes: MYH6 (myosin heavy chain 6; minus strand), LOC126861896 (BRD4-independent group 4 enhancer GRCh37_chr14:23854904-23856103; plus strand). Cytogenetic location: 14q11.2.
Variant type: single nucleotide variant.
Coding change: c.5004C>T on transcript NM_002471.4 (MANE Select); coding-DNA position 5004, C replaced by T.
Protein change: p.Asp1668=; no amino-acid change (aspartic acid 1668 retained).
Molecular consequence: synonymous variant.
Genome position (GRCh38, 1-based): chr14:23,386,087, G>A on the plus strand (C>T on the coding strand, the complement: MYH6 is on the minus strand). VCF-style: chr14-23386087-G-A. GRCh37 (hg19) VCF-style: chr14-23855296-G-A.
Identifiers: ClinVar variation 2644096 (VCV002644096.24), dbSNP rs2502141778, ClinGen allele CA485607609.
Genomic context (GRCh38, chr14:23,386,087, plus strand): 5'-CTCCAGCTCAGCCTGCAGCAGGTTGTTGCGCCGCTCCACGATGGCGATGTTCTCCTTCAG[G>A]TCGTCGTTGGCACGGACCGCATCGTCCAGCTGGATCTGGGTGTCCTGAGCATCAGGAGAG-3'
Protein context (NP_002462.2, residues 1658-1678): QLDDAVRAND[Asp1668=]LKENIAIVER